The following is an entry in ClinVar:

ClinVar aggregate classification (germline): Pathogenic (1 of 4 stars; one submission).

Submission:

Labcorp Genetics (formerly Invitae), Labcorp
Classification: Pathogenic. Last evaluated: 2023-03-10. Review status: criteria provided, single submitter. Criteria: Invitae Variant Classification Sherloc (09022015). Collection method: clinical testing. Allele origin: germline.
Comment: This sequence change replaces isoleucine, which is neutral and non-polar, with leucine, which is neutral and non-polar, at codon 295 of the BEST1 protein (p.Ile295Leu). This variant is not present in population databases (gnomAD no frequency). This missense change has been observed in individuals with clinical features of autosomal dominant and autosomal recessive BEST1-related conditions (PMID: 28559085; Invitae). ClinVar contains an entry for this variant (Variation ID: 950125). Advanced modeling of protein sequence and biophysical properties (such as structural, functional, and spatial information, amino acid conservation, physicochemical variation, residue mobility, and thermodynamic stability) performed at Invitae indicates that this missense variant is expected to disrupt BEST1 protein function. This variant disrupts the p.Ile295 amino acid residue in BEST1. Other variant(s) that disrupt this residue have been determined to be pathogenic (PMID: 12187431, 29781975). This suggests that this residue is clinically significant, and that variants that disrupt this residue are likely to be disease-causing. For these reasons, this variant has been classified as Pathogenic.

Literature cited by the submitters: PubMed 28559085; PubMed 12187431; PubMed 29781975.

NM_004183.4(BEST1):c.883A>C (p.Ile295Leu)

Gene: BEST1 (bestrophin 1; plus strand). Cytogenetic location: 11q12.3.
Variant type: single nucleotide variant.
Coding change: c.883A>C on transcript NM_004183.4 (MANE Select); coding-DNA position 883, A replaced by C.
Protein change: p.Ile295Leu; replaces isoleucine 295 with leucine.
Molecular consequence: missense variant. On other transcripts: synonymous variant (1), non-coding transcript variant (1), intron variant (1).
Genome position (GRCh38, 1-based): chr11:61,959,513, A>C. VCF-style: chr11-61959513-A-C. GRCh37 (hg19) VCF-style: chr11-61726985-A-C.
Other names: c.703A>C, p.Ile235Leu (NM_001139443.3, NM_001300787.2); c.565A>C, p.Ile189Leu (NM_001363591.3); c.1086A>C, p.Ser362= (NM_001363592.2); c.-90A>C (NM_001363593.3); c.688-379A>C (NM_001300786.2); short protein forms I189L, I235L, I295L.
Identifiers: ClinVar variation 950125 (VCV000950125.9), dbSNP rs777320382, ClinGen allele CA380843713.